The following is an entry in ClinVar:

NM_181458.4(PAX3):c.218C>A (p.Ser73Ter)

Gene: PAX3 (paired box 3; minus strand). Cytogenetic location: 2q36.1.
Variant type: single nucleotide variant.
Coding change: c.218C>A on transcript NM_181458.4 (MANE Select); coding-DNA position 218, C replaced by A.
Protein change: p.Ser73Ter; replaces serine 73 with a stop codon.
Molecular consequence: nonsense.
Genome position (GRCh38, 1-based): chr2:222,297,081, G>T on the plus strand (C>A on the coding strand, the complement: PAX3 is on the minus strand). VCF-style: chr2-222297081-G-T. GRCh37 (hg19) VCF-style: chr2-223161800-G-T.
Other names: c.218C>A, p.Ser73Ter (NM_181459.4, NM_181460.4, NM_181461.4 and 4 more transcripts); short protein forms S73*.
Identifiers: ClinVar variation 4887847 (VCV004887847.1).
Genomic context (GRCh38, chr2:222,297,081, plus strand): 5'-GTCTCCTGGTACCTGCACAGGATCTTGGAGACGCAGCCGTGGGACACGCGCAGCTGGCGC[G>T]AGATGACGCAGGGCCGGATGCCGTGGTGGGCCATCTCCACGATCTTGTGGCGGATGTGGT-3'

ClinVar aggregate classification (germline): Pathogenic (1 of 4 stars; one submission).

Submission:

GeneDx
Classification: Pathogenic. Last evaluated: 2026-02-17. Review status: criteria provided, single submitter. Criteria: GeneDx Variant Classification Process June 2021. Collection method: clinical testing. Allele origin: germline.
Comment: Observed in the heterozygous state with a de novo EPHB4 variant in a patient with fetal hydrops, broad nasal root, and micrognathia in published literature (PMID: 38151336); Not observed at significant frequency in large population cohorts (gnomAD); Nonsense variant predicted to result in protein truncation or nonsense mediated decay in a gene for which loss of function is a known mechanism of disease; This variant is associated with the following publications: (PMID: 38151336, 25805808)